The following is an entry in ClinVar:

NM_000400.4(ERCC2):c.1758+18_1783del

Gene: ERCC2 (ERCC excision repair 2, TFIIH core complex helicase subunit; minus strand). Cytogenetic location: 19q13.32.
Variant type: Deletion.
Coding change: c.1758+18_1783del on transcript NM_000400.4 (MANE Select); 18 bases into the intron after coding-DNA position 1758 through coding-DNA position 1783, 94 bases deleted.
Molecular consequence: splice acceptor variant.
Genome position (GRCh38, 1-based): chr19:45,353,131-45,353,224, 94 bases deleted. GRCh37 (hg19): chr19:45,856,394-45,856,487.
Identifiers: ClinVar variation 2081270 (VCV002081270.4), dbSNP rs2514002081, ClinGen allele CA2580097418.

ClinVar aggregate classification (germline): Likely pathogenic (1 of 4 stars; one submission).

Submission:

Labcorp Genetics (formerly Invitae), Labcorp
Classification: Likely pathogenic. Last evaluated: 2024-10-16. Review status: criteria provided, single submitter. Criteria: Invitae Variant Classification Sherloc (09022015). Collection method: clinical testing. Allele origin: germline.
Comment: This variant results in the deletion of part of exon 19 (c.1758+18_1783del) of the ERCC2 gene. It is expected to disrupt RNA splicing. Variants that disrupt the donor or acceptor splice site typically lead to a loss of protein function (PMID: 16199547), and loss-of-function variants in ERCC2 are known to be pathogenic (PMID: 9238033, 11335038, 19085937, 19934020). This variant is not present in population databases (gnomAD no frequency). This variant has not been reported in the literature in individuals affected with ERCC2-related conditions. ClinVar contains an entry for this variant (Variation ID: 2081270). In summary, the currently available evidence indicates that the variant is pathogenic, but additional data are needed to prove that conclusively. Therefore, this variant has been classified as Likely Pathogenic.

Literature cited by the submitters: PubMed 16199547; PubMed 9238033; PubMed 11335038; PubMed 19085937; PubMed 19934020.